The following is an entry in ClinVar:

NM_001148.6(ANK2):c.1177G>A (p.Ala393Thr)

Gene: ANK2 (ankyrin 2; plus strand). Cytogenetic location: 4q26.
Variant type: single nucleotide variant.
Coding change: c.1177G>A on transcript NM_001148.6 (MANE Select); coding-DNA position 1177, G replaced by A.
Protein change: p.Ala393Thr; replaces alanine 393 with threonine.
Molecular consequence: missense variant.
Genome position (GRCh38, 1-based): chr4:113,255,921, G>A. VCF-style: chr4-113255921-G-A. GRCh37 (hg19) VCF-style: chr4-114177077-G-A.
Other names: c.1114G>A, p.Ala372Thr (NM_001127493.3, NM_001354239.2, NM_001354243.2 and 14 more transcripts); c.1177G>A, p.Ala393Thr (NM_001354225.2, NM_001354228.2, NM_001354232.2 and 9 more transcripts); c.1222G>A, p.Ala408Thr (NM_001354230.2, NM_001354231.2, NM_001354237.2 and 5 more transcripts); c.1090G>A, p.Ala364Thr (NM_001354249.2, NM_001354260.2, NM_001354264.2 and 16 more transcripts); c.1135G>A, p.Ala379Thr (NM_001354261.2, NM_001386147.1, NM_001386160.1); c.1165G>A, p.Ala389Thr (NM_001354269.3, NM_001386148.2, NM_001386186.2); c.1228G>A, p.Ala410Thr (NM_001386174.1); c.1204G>A, p.Ala402Thr (NM_001386175.1); and 1 more; short protein forms A372T, A393T, A364T, A379T, A408T, A389T, A381T, A402T.
Identifiers: ClinVar variation 191533 (VCV000191533.16), dbSNP rs147458476, ClinGen allele CA236921.

ClinVar aggregate classification (germline): Conflicting classifications of pathogenicity. Review status: criteria provided, conflicting classifications (1 of 4 stars). 5 submissions from 5 submitters: Uncertain significance (2); Likely benign (3). Last evaluated 2024-10-26.

Conditions:
Cardiovascular phenotype. Identifiers: MedGen CN230736.
Long QT syndrome (LQTS). Identifiers: MedGen C0023976, MeSH D008133, MONDO:0002442. Disease mechanism: loss of function. Inheritance: Various modes of inheritance.

Allele frequency attached by ClinVar (database versions not stated): gnomAD 0.00005; TOPMed 0.00008; ESP Exome Variant Server 0.00015; ExAC 0.00016.
gnomAD v4.1: 59 of 1,614,008 alleles (0.0037%); highest among the groups gnomAD compares: East Asian, 0.027%; no homozygotes.

Submissions (5):

Labcorp Genetics (formerly Invitae), Labcorp
Classification: Likely benign for Long QT syndrome. Last evaluated: 2024-10-26. Review status: criteria provided, single submitter. Criteria: Invitae Variant Classification Sherloc (09022015). Collection method: clinical testing. Allele origin: germline.

Ambry Genetics
Classification: Likely benign for Cardiovascular phenotype. Last evaluated: 2022-09-19. Review status: criteria provided, single submitter. Criteria: Ambry Variant Classification Scheme 2023. Collection method: clinical testing. Allele origin: germline.

ARUP Laboratories, Molecular Genetics and Genomics, ARUP Laboratories
Classification: Uncertain significance. Last evaluated: 2022-04-26. Review status: criteria provided, single submitter. Criteria: ARUP Molecular Germline Variant Investigation Process 2021. Collection method: clinical testing. Allele origin: germline.
Comment: The ANK2 c.1177G>A; p.Ala393Thr variant (rs147458476), to our knowledge, is not reported in the medical literature in an individual affected with ANK2-related disease. This variant is found in the general population with an overall allele frequency of 0.01% (32/282,500 alleles) in the Genome Aggregation Database. The alanine at codon 393 is moderately conserved, but computational analyses are uncertain whether this variant is neutral or deleterious (REVEL: 0.214). Due to limited information, the clinical significance of the p.Ala393Thr variant is uncertain at this time.

GeneDx
Classification: Uncertain significance. Last evaluated: 2017-05-30. Review status: criteria provided, single submitter. Criteria: GeneDx Variant Classification (06012015). Collection method: clinical testing. Allele origin: germline. Affected: yes.
Comment: A variant of uncertain significance has been identified in the ANK2 gene. The A393T variant has not been previously published in association with arrhythmia to our knowledge. However, it has been observed in one individual from a cohort of individuals not selected for a history of cardiomyopathy, arrhythmia or family history of sudden cardiac death who underwent exome sequencing (Ng et al., 2013). Additionally, this variant has been observed in 8/8624 (0.09%) alleles from individuals of African ancestry, and 11/66346 (0.02%) alleles from individuals of Non-Finnish European ancestry, in large population cohorts (Lek et al., 2016; 1000 Genomes Consortium et al., 2015; Exome Variant Server). Nevertheless, the A393T variant is a non-conservative amino acid substitution, which is likely to impact secondary protein structure as these residues differ in polarity, charge, size and/or other properties. In silico analysis predicts this variant is probably damaging to the protein structure/function. Finally, this substitution occurs at a position that is largely conserved across species, although threonine (T) is the wild-type residue at this position in one non-mammalian species.

Biesecker Lab/Clinical Genomics Section, National Institutes of Health
Classification: Likely benign. Last evaluated: 2013-06-24. Review status: criteria provided, single submitter. Criteria: Ng et al. (Circ Cardiovasc Genet. 2013). Collection method: research. Allele origin: unknown. Observed: 1 variant allele. Study: ClinSeq.
Comment: The study set was not selected for affection status in relation to any cancer. Pathogenicity categories were based on literature curation. See Pubmed ID:23861362 for details.

Medical sequencing

Literature cited by the submitters: PubMed 23631430 (cited by Ambry Genetics); PubMed 23861362 (cited by Ambry Genetics).